The following is an entry in ClinVar:

ClinVar aggregate classification (germline): Uncertain significance (1 of 4 stars; one submission).

Conditions:
Charlevoix-Saguenay spastic ataxia (SACS). Also called: Spastic ataxia of Charlevoix-Saguenay; SPASTIC ATAXIA 6, AUTOSOMAL RECESSIVE; AUTOSOMAL RECESSIVE SPASTIC ATAXIA OF CHARLEVOIX-SAGUENAY. Identifiers: Orphanet 98, MedGen C1849140, MONDO:0010041, OMIM 270550.

Submission:

Center for Human Genetics and Genomic Medicine, Uniklinik Rwth Aachen
Classification: Uncertain significance for Charlevoix-Saguenay spastic ataxia. Last evaluated: 2021-06-09. Review status: criteria provided, single submitter. Criteria: ACMG Guidelines, 2015. Collection method: clinical testing. Allele origin: germline. Inheritance: Autosomal recessive inheritance. Affected: yes. Observed: 1 variant allele, 1 homozygote.
Comment: Segregation analyses to exclude pseudo-homozygosity could not be performed . No other pathogenic variants were detected in relevant genes. The variant is absent from controls and it has not yet been reported in clinical databases. Formally, it is a variant of uncertain significance.

Literature cited by the submitters: PubMed 20876471.

NM_014363.6(SACS):c.13588G>T (p.Gly4530Cys)

Gene: SACS (sacsin molecular chaperone; minus strand). Cytogenetic location: 13q12.12.
Variant type: single nucleotide variant.
Coding change: c.13588G>T on transcript NM_014363.6 (MANE Select); coding-DNA position 13588, G replaced by T.
Protein change: p.Gly4530Cys; replaces glycine 4530 with cysteine.
Molecular consequence: missense variant.
Genome position (GRCh38, 1-based): chr13:23,330,288, C>A on the plus strand (G>T on the coding strand, the complement: SACS is on the minus strand). VCF-style: chr13-23330288-C-A. GRCh37 (hg19) VCF-style: chr13-23904427-C-A.
Other names: c.13147G>T, p.Gly4383Cys (NM_001278055.2); short protein forms G4383C, G4530C.
Identifiers: ClinVar variation 1172523 (VCV001172523.3), dbSNP rs2137547970, ClinGen allele CA387504924.